The following is an entry in ClinVar:

NM_000548.5(TSC2):c.3939_3944del (p.Pro1314_Pro1315del)

Gene: TSC2 (TSC complex subunit 2; plus strand). Cytogenetic location: 16p13.3.
Variant type: Deletion.
Coding change: c.3939_3944del on transcript NM_000548.5 (MANE Select); coding-DNA positions 3939 to 3944, 6 bases deleted (GCCCCC; older notation c.3939_3944delGCCCCC).
Protein change: p.Pro1314_Pro1315del.
Molecular consequence: inframe deletion. On other transcripts: non-coding transcript variant (5).
Genome position (GRCh38, 1-based): chr16:2,083,750-2,083,755, GCCCCC deleted. VCF-style (leftmost placement, unchanged base first): chr16-2083749-AGCCCCC-A. GRCh37 (hg19) VCF-style: chr16-2133750-AGCCCCC-A.
Other names: c.3861_3866del, p.Pro1288_Pro1289del (NM_001406665.1); c.3831_3836del, p.Pro1278_Pro1279del (NM_001406667.1); c.3828_3833del, p.Pro1277_Pro1278del (NM_001406668.1); c.3759_3764del, p.Pro1254_Pro1255del (NM_001406670.1); c.3729_3734del, p.Pro1244_Pro1245del (NM_001406671.1); c.3726_3731del, p.Pro1243_Pro1244del (NM_001406673.1); c.3720_3725del, p.Pro1241_Pro1242del (NM_001406676.1); c.3723_3728del, p.Pro1242_Pro1243del (NM_001406675.1); and 26 more.
Identifiers: ClinVar variation 3811319 (VCV003811319.1).

ClinVar aggregate classification (germline): Uncertain significance (1 of 4 stars; one submission).

Conditions:
Hereditary cancer-predisposing syndrome. Also called: Neoplastic Syndromes, Hereditary; Hereditary Cancer Syndrome; Tumor predisposition; Hereditary neoplastic syndrome. Identifiers: Orphanet 140162, MedGen C0027672, MeSH D009386, MONDO:0015356.

Submission:

Ambry Genetics
Classification: Uncertain significance for Hereditary cancer-predisposing syndrome. Last evaluated: 2025-01-11. Review status: criteria provided, single submitter. Criteria: Ambry Variant Classification Scheme 2023. Collection method: clinical testing. Allele origin: germline.
Comment: The c.3939_3944delGCCCCC variant (also known as p.P1314_P1315del) is located in coding exon 32 of the TSC2 gene. This variant results from an in-frame GCCCCC deletion at nucleotide positions 3939 to 3944. This results in the in-frame deletion of two proline residues at codons 1314 and 1315. These amino acid positions are not well conserved in available vertebrate species. In addition, the in silico prediction for this alteration is inconclusive (Choi Y et al. PLoS ONE. 2012; 7(10):e46688). Based on the available evidence, the clinical significance of this variant remains unclear.